The following is an entry in ClinVar:

NM_006019.4(TCIRG1):c.293A>G (p.Gln98Arg)

Gene: TCIRG1 (T cell immune regulator 1, ATPase H+ transporting V0 subunit a3; plus strand). Cytogenetic location: 11q13.2.
Variant type: single nucleotide variant.
Coding change: c.293A>G on transcript NM_006019.4 (MANE Select); coding-DNA position 293, A replaced by G.
Protein change: p.Gln98Arg; replaces glutamine 98 with arginine.
Molecular consequence: missense variant. On other transcripts: 5 prime UTR variant (1).
Genome position (GRCh38, 1-based): chr11:68,042,739, A>G. VCF-style: chr11-68042739-A-G. GRCh37 (hg19) VCF-style: chr11-67810206-A-G.
Other names: c.-957A>G (NM_001351059.2); short protein forms Q98R.
Identifiers: ClinVar variation 1377044 (VCV001377044.8), dbSNP rs1855231209, ClinGen allele CA381575776.

ClinVar aggregate classification (germline): Uncertain significance (1 of 4 stars; one submission).

Allele frequency attached by ClinVar (database versions not stated): gnomAD 0.00001.
gnomAD v4.1: 3 of 1,547,058 alleles (0.00019%); highest among the groups gnomAD compares: Non-Finnish European, 0.00026%; no homozygotes.

Submission:

Labcorp Genetics (formerly Invitae), Labcorp
Classification: Uncertain significance. Last evaluated: 2021-03-07. Review status: criteria provided, single submitter. Criteria: Invitae Variant Classification Sherloc (09022015). Collection method: clinical testing. Allele origin: germline.
Comment: This sequence change replaces glutamine with arginine at codon 98 of the TCIRG1 protein (p.Gln98Arg). The glutamine residue is weakly conserved and there is a small physicochemical difference between glutamine and arginine. The frequency data for this variant in the population databases is considered unreliable, as metrics indicate insufficient coverage at this position in the ExAC database. This variant has not been reported in the literature in individuals with TCIRG1-related conditions. Algorithms developed to predict the effect of missense changes on protein structure and function are either unavailable or do not agree on the potential impact of this missense change (SIFT: "Tolerated"; PolyPhen-2: "Possibly Damaging"; Align-GVGD: "Class C0"). In summary, the available evidence is currently insufficient to determine the role of this variant in disease. Therefore, it has been classified as a Variant of Uncertain Significance.